The following is an entry in ClinVar:

NM_000038.6(APC):c.8492C>T (p.Pro2831Leu)

Gene: APC (APC regulator of Wnt signaling pathway; plus strand). Cytogenetic location: 5q22.2.
Variant type: single nucleotide variant.
Coding change: c.8492C>T on transcript NM_000038.6 (MANE Select); coding-DNA position 8492, C replaced by T.
Protein change: p.Pro2831Leu; replaces proline 2831 with leucine.
Molecular consequence: missense variant.
Genome position (GRCh38, 1-based): chr5:112,844,086, C>T. VCF-style: chr5-112844086-C-T. GRCh37 (hg19) VCF-style: chr5-112179783-C-T.
Other names: c.8492C>T, p.Pro2831Leu (NM_001127510.3, NM_001354895.2); c.8438C>T, p.Pro2813Leu (NM_001127511.3); c.8369C>T, p.Pro2790Leu (NM_001354900.2); c.8315C>T, p.Pro2772Leu (NM_001354901.2); c.8546C>T, p.Pro2849Leu (NM_001354896.2); c.8522C>T, p.Pro2841Leu (NM_001354897.2); c.8417C>T, p.Pro2806Leu (NM_001354898.2); c.8408C>T, p.Pro2803Leu (NM_001354899.2); and 5 more; short protein forms P2831L, P2813L, P2548L, P2671L, P2705L, P2806L, P2730L, P2790L.
Identifiers: ClinVar variation 470146 (VCV000470146.19), dbSNP rs773513581, ClinGen allele CA050906.
Genomic context (GRCh38, chr5:112,844,086, plus strand): 5'-ACAACACAAAGAAGCGAGATTCCAAAACTGACAGCACAGAATCCAGTGGAACCCAAAGTC[C>T]TAAGCGCCATTCTGGGTCTTACCTTGTGACATCTGTTTAAAAGAGAGGAAGAATGAAACT-3'
Protein context (NP_000029.2, residues 2821-2841): DSTESSGTQS[Pro2831Leu]KRHSGSYLVT

ClinVar aggregate classification (germline): Uncertain significance. Review status: criteria provided, multiple submitters, no conflicts (2 of 4 stars). 5 submissions from 5 submitters: Uncertain significance (5). Last evaluated 2025-07-22.

Conditions:
Familial adenomatous polyposis 1 (FAP1). Also called: POLYPOSIS, ADENOMATOUS INTESTINAL; FAMILIAL ADENOMATOUS POLYPOSIS 1, ATTENUATED. Identifiers: MedGen C2713442, MONDO:0021056, OMIM 175100. Disease mechanism: loss of function.
Hereditary cancer-predisposing syndrome. Also called: Hereditary neoplastic syndrome; Neoplastic Syndromes, Hereditary; Tumor predisposition; Hereditary Cancer Syndrome. Identifiers: Orphanet 140162, MedGen C0027672, MeSH D009386, MONDO:0015356.
Familial multiple polyposis syndrome (FAP). Also called: Classic familial adenomatous polyposis; Familial adenomatous polyposis; Familial intestinal polyposis; Familial polyposis; Familial Adenomatous Polyposis (FAP). Identifiers: Orphanet 733, MedGen C0032580, MONDO:0021055. Disease mechanism: loss of function.

Allele frequency attached by ClinVar (database versions not stated): gnomAD exomes below 0.00001 and 0.00001; ExAC 0.00001.
gnomAD v4.1: 3 of 1,611,426 alleles (0.00019%); highest among the groups gnomAD compares: East Asian, 0.0022%; no homozygotes.

Submissions (5):

Labcorp Genetics (formerly Invitae), Labcorp
Classification: Uncertain significance for Familial adenomatous polyposis 1. Last evaluated: 2025-07-22. Review status: criteria provided, single submitter. Criteria: Invitae Variant Classification Sherloc (09022015). Collection method: clinical testing. Allele origin: germline.
Comment: This sequence change replaces proline, which is neutral and non-polar, with leucine, which is neutral and non-polar, at codon 2831 of the APC protein (p.Pro2831Leu). This variant is present in population databases (rs773513581, gnomAD 0.006%). This variant has not been reported in the literature in individuals affected with APC-related conditions. ClinVar contains an entry for this variant (Variation ID: 470146). Invitae Evidence Modeling of protein sequence and biophysical properties (such as structural, functional, and spatial information, amino acid conservation, physicochemical variation, residue mobility, and thermodynamic stability) indicates that this missense variant is not expected to disrupt APC protein function with a negative predictive value of 95%. In summary, the available evidence is currently insufficient to determine the role of this variant in disease. Therefore, it has been classified as a Variant of Uncertain Significance.

Color Diagnostics, LLC DBA Color Health
Classification: Uncertain significance for Hereditary cancer-predisposing syndrome. Last evaluated: 2025-02-10. Review status: criteria provided, single submitter. Criteria: ACMG Guidelines, 2015. Collection method: clinical testing. Allele origin: germline.
Comment: This missense variant replaces proline with leucine at codon 2831 of the APC protein. Computational prediction suggests that this variant may not impact protein structure and function (internally defined REVEL score threshold <= 0.5, PMID: 27666373). To our knowledge, functional studies have not been reported for this variant. This variant has not been reported in individuals affected with APC-related disorders in the literature. This variant has been identified in 1/247976 chromosomes in the general population by the Genome Aggregation Database (gnomAD). The available evidence is insufficient to determine the role of this variant in disease conclusively. Therefore, this variant is classified as a Variant of Uncertain Significance.

Ambry Genetics
Classification: Uncertain significance for Hereditary cancer-predisposing syndrome. Last evaluated: 2023-04-17. Review status: criteria provided, single submitter. Criteria: Ambry Variant Classification Scheme 2023. Collection method: clinical testing. Allele origin: germline.
Comment: The p.P2831L variant (also known as c.8492C>T), located in coding exon 15 of the APC gene, results from a C to T substitution at nucleotide position 8492. The proline at codon 2831 is replaced by leucine, an amino acid with similar properties. This amino acid position is well conserved in available vertebrate species. In addition, in silico predictors for this gene do not accurately predict pathogenicity. Since supporting evidence is limited at this time, the clinical significance of this alteration remains unclear.

Genetic Services Laboratory, University of Chicago
Classification: Uncertain significance. Last evaluated: 2023-03-08. Review status: criteria provided, single submitter. Criteria: ACMG Guidelines, 2015. Collection method: clinical testing. Allele origin: germline. Affected: no.
Comment: DNA sequence analysis of the APC gene demonstrated a sequence change, c.8492C>T, in exon 16 that results in an amino acid change, p.Pro2831Leu. This sequence change does not appear to have been previously described in individuals with APC-related disorders. This sequence change has been described in the gnomAD database in one individual which corresponds to a population frequency of 0.0004% (dbSNP rs773513581). The p.Pro2831Leu change affects a moderately conserved amino acid residue located in a domain of the APC protein that is known to be functional. In-silico pathogenicity prediction tools (SIFT, PolyPhen2, Align GVGD, REVEL) provide contradictory results for the p.Pro2831Leu substitution. Due to insufficient evidences and the lack of functional studies, the clinical significance of the p.Pro2831Leu change remains unknown at this time.

Center for Human Genetics, Inc
Classification: Uncertain significance for Familial multiple polyposis syndrome. Last evaluated: 2016-11-01. Review status: criteria provided, single submitter. Criteria: ACMG Guidelines, 2015. Collection method: clinical testing. Allele origin: germline. Affected: yes.